The following is an entry in ClinVar:

NM_000051.4(ATM):c.-18G>A

Gene: ATM (ATM serine/threonine kinase; plus strand). Cytogenetic location: 11q22.3.
Variant type: single nucleotide variant.
Coding change: c.-18G>A on transcript NM_000051.4 (MANE Select); 18 bases upstream of the start codon, G replaced by A.
Molecular consequence: 5 prime UTR variant.
Genome position (GRCh38, 1-based): chr11:108,227,607, G>A. VCF-style: chr11-108227607-G-A. GRCh37 (hg19) VCF-style: chr11-108098334-G-A.
Other names: c.-18G>A (NM_001351834.2, NM_001351835.2, NM_001351836.2).
Identifiers: ClinVar variation 490407 (VCV000490407.14), dbSNP rs374303671, ClinGen allele CA6264492.
Genomic context (GRCh38, chr11:108,227,607, plus strand): 5'-TGCATATATACATATACATATATATACCTATATGTATTTTTTTTACAGACAGTGATGTGT[G>A]TTCTGAAATTGTGAACCATGAGTCTAGTACTTAATGATCTGCTTATCTGCTGCCGTCAAC-3'

ClinVar aggregate classification (germline): Benign/Likely benign. Review status: criteria provided, multiple submitters, no conflicts (2 of 4 stars). 5 submissions from 5 submitters: Benign (1); Likely benign (4). Last evaluated 2025-03-04.

Conditions:
Hereditary cancer-predisposing syndrome. Also called: Tumor predisposition; Hereditary Cancer Syndrome; Neoplastic Syndromes, Hereditary; Hereditary neoplastic syndrome. Identifiers: Orphanet 140162, MedGen C0027672, MeSH D009386, MONDO:0015356.

Allele frequency attached by ClinVar (database versions not stated): gnomAD 0.00003 and 0.00004; TOPMed 0.00003; ESP Exome Variant Server 0.00008.

Submissions (5):

Center for Genomic Medicine, Rigshospitalet, Copenhagen University Hospital
Classification: Likely benign. Last evaluated: 2025-03-04. Review status: criteria provided, single submitter. Criteria: ACMG Guidelines, 2015. Collection method: clinical testing. Allele origin: germline.

Blueprint Genetics
Classification: Likely benign. Last evaluated: 2024-07-25. Review status: criteria provided, single submitter. Criteria: ACMG Guidelines, 2015. Collection method: clinical testing. Allele origin: germline.

ARUP Laboratories, Molecular Genetics and Genomics, ARUP Laboratories
Classification: Likely benign. Last evaluated: 2018-01-24. Review status: criteria provided, single submitter. Criteria: ARUP Molecular Germline Variant Investigation Process. Collection method: clinical testing. Allele origin: germline.
Comment: The ATM c.-18G>A variant (rs374303671), to our knowledge, is not reported in the medical literature. This variant is found in the general population with an overall allele frequency of 0.004% (9/246152 alleles) in the Genome Aggregation Database. This variant occurs in the 5' untranslated region at a nucleotide that is weakly conserved and computational algorithms (NetStart 1.0, Promoter 2.0) do not predict this variant to alter transcription or translation initiation. Based on the available information, this variant is considered likely benign.

Color Diagnostics, LLC DBA Color Health
Classification: Likely benign for Hereditary cancer-predisposing syndrome. Last evaluated: 2017-05-12. Review status: criteria provided, single submitter. Criteria: ACMG Guidelines, 2015. Collection method: clinical testing. Allele origin: germline.

GeneDx
Classification: Benign. Last evaluated: 2015-03-03. Review status: criteria provided, single submitter. Criteria: GeneDx Variant Classification Process June 2021. Collection method: clinical testing. Allele origin: germline. Affected: yes.